The following is an entry in ClinVar:

NM_181882.3(PRX):c.4207G>A (p.Val1403Ile)

Gene: PRX (periaxin; minus strand). Cytogenetic location: 19q13.2.
Variant type: single nucleotide variant.
Coding change: c.4207G>A on transcript NM_181882.3 (MANE Select); coding-DNA position 4207, G replaced by A.
Protein change: p.Val1403Ile; replaces valine 1403 with isoleucine.
Molecular consequence: missense variant. On other transcripts: 3 prime UTR variant (1).
Genome position (GRCh38, 1-based): chr19:40,394,145, C>T on the plus strand (G>A on the coding strand, the complement: PRX is on the minus strand). VCF-style: chr19-40394145-C-T. GRCh37 (hg19) VCF-style: chr19-40900052-C-T.
Other names: p.Val1403Ile; c.*4412G>A (NM_020956.2); short protein forms V1403I.
Identifiers: ClinVar variation 476973 (VCV000476973.10), dbSNP rs139051512, ClinGen allele CA9443664.

ClinVar aggregate classification (germline): Uncertain significance. Review status: criteria provided, multiple submitters, no conflicts (2 of 4 stars). 2 submissions from 2 submitters: Uncertain significance (2). Last evaluated 2022-08-15.

Conditions:
Charcot-Marie-Tooth disease type 4. Also called: Charcot-Marie-Tooth disease, type IV; Charcot-Marie-Tooth, Type 4. Identifiers: Orphanet 64749, MedGen C4082197, MONDO:0018995.

Allele frequency attached by ClinVar (database versions not stated): ExAC 0.00003; TOPMed 0.00006; ESP Exome Variant Server 0.00023.
gnomAD v4.1: 90 of 1,595,770 alleles (0.0056%); highest among the groups gnomAD compares: Admixed American, 0.0085%; no homozygotes.

Submissions (2):

Labcorp Genetics (formerly Invitae), Labcorp
Classification: Uncertain significance for Charcot-Marie-Tooth disease type 4. Last evaluated: 2022-08-15. Review status: criteria provided, single submitter. Criteria: Invitae Variant Classification Sherloc (09022015). Collection method: clinical testing. Allele origin: germline.
Comment: This sequence change replaces valine, which is neutral and non-polar, with isoleucine, which is neutral and non-polar, at codon 1403 of the PRX protein (p.Val1403Ile). This variant is present in population databases (rs139051512, gnomAD 0.009%). This variant has not been reported in the literature in individuals affected with PRX-related conditions. ClinVar contains an entry for this variant (Variation ID: 476973). Algorithms developed to predict the effect of missense changes on protein structure and function (SIFT, PolyPhen-2, Align-GVGD) all suggest that this variant is likely to be tolerated. In summary, the available evidence is currently insufficient to determine the role of this variant in disease. Therefore, it has been classified as a Variant of Uncertain Significance.

Mayo Clinic Laboratories, Mayo Clinic
Classification: Uncertain significance. Last evaluated: 2021-05-12. Review status: criteria provided, single submitter. Criteria: ACMG Guidelines, 2015. Collection method: clinical testing. Allele origin: germline.